The following is an entry in ClinVar:

NM_000441.2(SLC26A4):c.1234G>A (p.Val412Ile)

Gene: SLC26A4 (solute carrier family 26 member 4; plus strand). Cytogenetic location: 7q22.3.
Variant type: single nucleotide variant.
Coding change: c.1234G>A on transcript NM_000441.2 (MANE Select); coding-DNA position 1234, G replaced by A.
Protein change: p.Val412Ile; replaces valine 412 with isoleucine.
Molecular consequence: missense variant.
Genome position (GRCh38, 1-based): chr7:107,690,208, G>A. VCF-style: chr7-107690208-G-A. GRCh37 (hg19) VCF-style: chr7-107330653-G-A.
Other names: short protein forms V412I.
Identifiers: ClinVar variation 43499 (VCV000043499.16), dbSNP rs111033527, ClinGen allele CA132658.
Genomic context (GRCh38, chr7:107,690,208, plus strand): 5'-AACATCTTCTCAGGATTCTTCTCTTGTTTTGTGGCCACCACTGCTCTTTCCCGCACGGCC[G>A]TCCAGGAGAGCACTGGAGGAAAGACACAGGTAGGAACAACAGCCTTATGATATCCATCTC-3'
Protein context (NP_000432.1, residues 402-422): VATTALSRTA[Val412Ile]QESTGGKTQV

ClinVar aggregate classification (germline): Uncertain significance. Review status: criteria provided, multiple submitters, no conflicts (2 of 4 stars). 10 submissions from 9 submitters: Uncertain significance (8). 2 of the submissions do not count toward it. Last evaluated 2025-06-14.

Conditions:
SLC26A4-related disorder. Also called: SLC26A4-related disorders; SLC26A4-related condition.
Pendred syndrome (PDS). Also called: Pendred's syndrome; THYROID DYSHORMONOGENESIS 2B; THYROID HORMONOGENESIS, GENETIC DEFECT IN, 2B; Pendred Syndrome (PDS); DEAFNESS WITH GOITER; GOITER-DEAFNESS SYNDROME. Identifiers: Orphanet 705, MedGen C0271829, MONDO:0010134, OMIM 274600.
Autosomal recessive nonsyndromic hearing loss 4 (DFNB4). Also called: Deafness, autosomal recessive 4, with enlarged vestibular aqueduct; Enlarged vestibular aqueduct, digenic; Nonsyndromic enlarged vestibular aqueduct (NSEVA); FOXI1-Related Pendred Syndrome; KCNJ10-Related Pendred Syndrome; DEAFNESS, AUTOSOMAL RECESSIVE 4, WITH ENLARGED VESTIBULAR AQUEDUCT, DIGENIC. Identifiers: Orphanet 90636, MedGen C3538946, MONDO:0010933, OMIM 600791.

Allele frequency attached by ClinVar (database versions not stated): ExAC 0.00006; ESP Exome Variant Server 0.00008; TOPMed 0.00010; gnomAD exomes 0.00004 and 0.00005; gnomAD 0.00012 and 0.00013; 1000 Genomes Project 30x 0.00016; 1000 Genomes Project 0.00020.
gnomAD v4.1: 85 of 1,609,928 alleles (0.0053%); highest among the groups gnomAD compares: Middle Eastern, 0.12%; no homozygotes.

Submissions (10):

PreventionGenetics, part of Exact Sciences
Classification: Uncertain significance for SLC26A4-related condition. Last evaluated: 2025-06-14. Review status: criteria provided, single submitter. Criteria: ACMG Guidelines, 2015. Collection method: clinical testing. Allele origin: germline.
Comment: The SLC26A4 c.1234G>A variant is predicted to result in the amino acid substitution p.Val412Ile. This variant has been reported in the heterozygous state in multiple individuals with Pendred syndrome/enlarged vestibular aqueduct, but a second potentially causative variant was not reported in any of these patients (Landa et al. 2013. PubMed ID: 23965030; Table S1, Mey et al. 2019. PubMed ID: 31633822; Aldè et al. 2025. PubMed ID: 40507467). This variant is reported in 0.014% of alleles in individuals of Latino descent in gnomAD. An in vitro experimental study using HEK293T cells suggests this variant has bicarbonate/chloride antiport activity similar to wildtype (Takahashi et al. 2024. PubMed ID: 38474007). At this time, the clinical significance of this variant is uncertain due to the absence of conclusive functional and genetic evidence.

Women's Health and Genetics/Laboratory Corporation of America, LabCorp
Classification: Uncertain significance. Last evaluated: 2024-08-06. Review status: criteria provided, single submitter. Criteria: LabCorp Variant Classification Summary - May 2015. Collection method: clinical testing. Allele origin: germline.
Comment: Variant summary: SLC26A4 c.1234G>A (p.Val412Ile) results in a conservative amino acid change located in the SLC26A/SulP transporter domain (IPR011547) of the encoded protein sequence. Three of five in-silico tools predict a benign effect of the variant on protein function. The variant allele was found at a frequency of 5.2e-05 in 250822 control chromosomes. This frequency is not significantly higher than estimated for a pathogenic variant in SLC26A4 causing Pendred Syndrome (5.2e-05 vs 0.0035), allowing no conclusion about variant significance. c.1234G>A has been reported in the literature in the heterozygous state, with no second variant identified, in individuals affected with Pendred Syndrome/Enlarged Vestibular Aqueduct (e.g. Landa_2013, Pang_2015, May_2019). These reports do not provide unequivocal conclusions about association of the variant with Pendred Syndrome. At least one publication reports experimental evidence evaluating an impact on protein function and found the variant has approximately 60% HCO3-/Cl- antiporter activity compared to the WT protein and was considered WT-like (Takahashi_2024). The following publications have been ascertained in the context of this evaluation (PMID: 23965030, 31633822, 26549381, 38474007). ClinVar contains an entry for this variant (Variation ID: 43499). Based on the evidence outlined above, the variant was classified as uncertain significance.

GeneDx
Classification: Uncertain significance. Last evaluated: 2024-07-12. Review status: criteria provided, single submitter. Criteria: GeneDx Variant Classification Process June 2021. Collection method: clinical testing. Allele origin: germline. Affected: yes.
Comment: In silico analysis indicates that this missense variant does not alter protein structure/function; Identified as a single heterozygous variant in a patient belonging to a cohort with hearing impairment and either goitre or EVA in published literature (PMID: 23965030); This variant is associated with the following publications: (PMID: 38474007, 27884173, 26549381, 30245029, 23965030)

Revvity Omics, Revvity
Classification: Uncertain significance. Last evaluated: 2022-05-30. Review status: criteria provided, single submitter. Criteria: ACMG Guidelines, 2015. Collection method: clinical testing. Allele origin: germline.

Fulgent Genetics
Classification: Uncertain significance for Pendred syndrome; Autosomal recessive nonsyndromic hearing loss 4. Last evaluated: 2022-01-04. Review status: criteria provided, single submitter. Criteria: ACMG Guidelines, 2015. Collection method: clinical testing. Allele origin: unknown.

Genome-Nilou Lab
Classification: Uncertain significance for Autosomal recessive nonsyndromic hearing loss 4. Last evaluated: 2021-09-05. Review status: criteria provided, single submitter. Criteria: ACMG Guidelines, 2015. Collection method: clinical testing. Allele origin: germline. Affected: no.

Genome-Nilou Lab
Classification: Uncertain significance for Pendred syndrome. Last evaluated: 2021-09-05. Review status: criteria provided, single submitter. Criteria: ACMG Guidelines, 2015. Collection method: clinical testing. Allele origin: germline. Affected: no.

Laboratory for Molecular Medicine, Mass General Brigham Personalized Medicine
Classification: Uncertain significance. Last evaluated: 2010-02-03. Review status: criteria provided, single submitter. Criteria: LMM Criteria. Collection method: clinical testing. Allele origin: germline. Observed: 1 variant allele.

Natera, Inc.
Classification: Uncertain significance for Pendred syndrome. Last evaluated: 2020-01-08. Review status: no assertion criteria provided. Collection method: clinical testing. Allele origin: germline. Not counted in ClinVar's aggregate classification.

Counsyl
Classification: Uncertain significance for Pendred syndrome. Last evaluated: 2017-11-14. Review status: no assertion criteria provided. Collection method: clinical testing. Allele origin: unknown. Not counted in ClinVar's aggregate classification.

Literature cited by the submitters: PubMed 23965030 (cited by Women's Health and Genetics/Laboratory Corporation of America, LabCorp and Counsyl); PubMed 31633822 (cited by Women's Health and Genetics/Laboratory Corporation of America, LabCorp); PubMed 26549381 (cited by Women's Health and Genetics/Laboratory Corporation of America, LabCorp and Counsyl); PubMed 38474007 (cited by Women's Health and Genetics/Laboratory Corporation of America, LabCorp); PubMed 27884173 (cited by Counsyl).